The following is an entry in ClinVar:

ClinVar aggregate classification (germline): Uncertain significance. Review status: criteria provided, multiple submitters, no conflicts (2 of 4 stars). 2 submissions from 2 submitters: Uncertain significance (2). Last evaluated 2026-04-09.

Conditions:
Leukocyte adhesion deficiency 3. Also called: INTEGRIN ACTIVATION DEFICIENCY DISEASE; LEUKOCYTE ADHESION DEFICIENCY 1 VARIANT; Leukocyte adhesion deficiency, type III. Identifiers: Orphanet 2968, Orphanet 99844, MedGen C2748536, MONDO:0013016, OMIM 612840.

Submissions (2):

Women's Health and Genetics/Laboratory Corporation of America, LabCorp
Classification: Uncertain significance. Last evaluated: 2026-04-09. Review status: criteria provided, single submitter. Criteria: LabCorp Variant Classification Summary - May 2015. Collection method: clinical testing. Allele origin: germline.
Comment: Variant summary: FERMT3 c.456_458delGAA (p.Lys153del) results in an in-frame deletion that is predicted to remove one amino acid from the encoded protein. The variant allele was found at a frequency of 0.00011 in 176786 control chromosomes. This frequency is not significantly higher than estimated for disease-causing variants in FERMT3, allowing no conclusion about variant significance. To our knowledge, no occurrence of c.456_458delGAA in individuals affected with FERMT3-related conditions and no experimental evidence demonstrating its impact on protein function have been reported. ClinVar contains an entry for this variant (Variation ID: 537722). Based on the evidence outlined above, the variant was classified as uncertain significance.

Labcorp Genetics (formerly Invitae), Labcorp
Classification: Uncertain significance for Leukocyte adhesion deficiency 3. Last evaluated: 2024-11-27. Review status: criteria provided, single submitter. Criteria: Invitae Variant Classification Sherloc (09022015). Collection method: clinical testing. Allele origin: germline.
Comment: This variant, c.456_458del, results in the deletion of 1 amino acid(s) of the FERMT3 protein (p.Lys153del), but otherwise preserves the integrity of the reading frame. This variant is present in population databases (rs759155629, gnomAD 0.02%). This variant has not been reported in the literature in individuals affected with FERMT3-related conditions. Experimental studies and prediction algorithms are not available or were not evaluated, and the functional significance of this variant is currently unknown. In summary, the available evidence is currently insufficient to determine the role of this variant in disease. Therefore, it has been classified as a Variant of Uncertain Significance.

NM_031471.6(FERMT3):c.447GAA[3] (p.Lys153del)

Gene: FERMT3 (FERM domain containing kindlin 3; plus strand). Cytogenetic location: 11q13.1.
Variant type: Microsatellite.
Coding change: c.447GAA[3] on transcript NM_031471.6 (MANE Select); three copies in a row of the 3-base unit GAA starting at c.447; the reference has four copies in a row; one copy, 3 bases deleted.
Protein change: p.Lys153del; deletes lysine 153.
Molecular consequence: inframe deletion. On other transcripts: 5 prime UTR variant (2).
Genome position (GRCh38, 1-based): chr11:64,211,113-64,211,115, GAA deleted; deleting any 3 consecutive bases within chr11:64,211,103-64,211,115 gives the same sequence; the position shown is the placement nearest the transcript's 3' end. VCF-style (leftmost placement, unchanged base first): chr11-64211102-GAGA-G. GRCh37 (hg19) VCF-style: chr11-63978574-GAGA-G.
Other names: c.447GAA[3], p.Lys153del (NM_001382361.1, NM_001382362.1, NM_001382448.1 and 1 more transcripts); c.-94GAA[3] (NM_001382363.1, NM_001382364.1); c.456_458delGAA (NM_031471.6); short protein forms K153del.
Identifiers: ClinVar variation 537722 (VCV000537722.8), dbSNP rs759155629, ClinGen allele CA6068756.